The following is an entry in ClinVar:

ClinVar aggregate classification (germline): Uncertain significance (1 of 4 stars; one submission).

Allele frequency attached by ClinVar (database versions not stated): gnomAD exomes below 0.00001; ExAC 0.00001; TOPMed 0.00002.

Submission:

Labcorp Genetics (formerly Invitae), Labcorp
Classification: Uncertain significance. Last evaluated: 2023-11-24. Review status: criteria provided, single submitter. Criteria: Invitae Variant Classification Sherloc (09022015). Collection method: clinical testing. Allele origin: germline.
Comment: This sequence change replaces alanine, which is neutral and non-polar, with threonine, which is neutral and polar, at codon 481 of the CYFIP2 protein (p.Ala481Thr). This variant is present in population databases (rs771799085, gnomAD 0.006%). This variant has not been reported in the literature in individuals affected with CYFIP2-related conditions. Experimental studies and prediction algorithms are not available or were not evaluated, and the functional significance of this variant is currently unknown. In summary, the available evidence is currently insufficient to determine the role of this variant in disease. Therefore, it has been classified as a Variant of Uncertain Significance.

NM_001037333.3(CYFIP2):c.1441G>A (p.Ala481Thr)

Gene: CYFIP2 (cytoplasmic FMR1 interacting protein 2; plus strand). Cytogenetic location: 5q33.3.
Variant type: single nucleotide variant.
Coding change: c.1441G>A on transcript NM_001037333.3 (MANE Select); coding-DNA position 1441, G replaced by A.
Protein change: p.Ala481Thr; replaces alanine 481 with threonine.
Molecular consequence: missense variant.
Genome position (GRCh38, 1-based): chr5:157,319,846, G>A. VCF-style: chr5-157319846-G-A. GRCh37 (hg19) VCF-style: chr5-156746854-G-A.
Other names: c.1363G>A, p.Ala455Thr (NM_001291721.2); c.1441G>A, p.Ala481Thr (NM_001291722.2, NM_014376.4); short protein forms A481T, A455T.
Identifiers: ClinVar variation 2698637 (VCV002698637.3), dbSNP rs771799085, ClinGen allele CA3533609.